The following is an entry in ClinVar:

ClinVar aggregate classification (germline): Uncertain significance (1 of 4 stars; one submission).

Submission:

Labcorp Genetics (formerly Invitae), Labcorp
Classification: Uncertain significance. Last evaluated: 2022-06-27. Review status: criteria provided, single submitter. Criteria: Invitae Variant Classification Sherloc (09022015). Collection method: clinical testing. Allele origin: germline.
Comment: In summary, the available evidence is currently insufficient to determine the role of this variant in disease. Therefore, it has been classified as a Variant of Uncertain Significance. Algorithms developed to predict the effect of missense changes on protein structure and function (SIFT, PolyPhen-2, Align-GVGD) all suggest that this variant is likely to be tolerated. This variant has not been reported in the literature in individuals affected with PDE4D-related conditions. This variant is not present in population databases (gnomAD no frequency). This sequence change replaces aspartic acid, which is acidic and polar, with asparagine, which is neutral and polar, at codon 111 of the PDE4D protein (p.Asp111Asn).

NM_001104631.2(PDE4D):c.331G>A (p.Asp111Asn)

Gene: PDE4D (phosphodiesterase 4D; minus strand). Cytogenetic location: 5q12.1.
Variant type: single nucleotide variant.
Coding change: c.331G>A on transcript NM_001104631.2 (MANE Select); coding-DNA position 331, G replaced by A.
Protein change: p.Asp111Asn; replaces aspartic acid 111 with asparagine.
Molecular consequence: missense variant. On other transcripts: intron variant (5).
Genome position (GRCh38, 1-based): chr5:59,893,292, C>T on the plus strand (G>A on the coding strand, the complement: PDE4D is on the minus strand). VCF-style: chr5-59893292-C-T. GRCh37 (hg19) VCF-style: chr5-59189119-C-T.
Other names: c.272+95196G>A (NM_001364599.1, NM_001165899.2, NM_001364600.2); c.-240+95196G>A (NM_001349243.2); c.242+95196G>A (NM_001349241.2); short protein forms D111N.
Identifiers: ClinVar variation 1389282 (VCV001389282.6), dbSNP rs2152756210, ClinGen allele CA359932610.
Genomic context (GRCh38, chr5:59,893,292, plus strand): 5'-CGGTCTCCACCGCGTAGGAGGTGCGGTCCATGGCGCGACAGTACAGGTAGCGCTCGGTGT[C>T]CGAGTAGCCGCGATGCCGGACGCGGCCGGTGGCCCCGCTCGAGGCGTAGCGGCCGCGGGC-3'
Protein context (NP_001098101.1, residues 101-121): TGRVRHRGYS[Asp111Asn]TERYLYCRAM